The following is an entry in ClinVar:

ClinVar aggregate classification (germline): Pathogenic. Review status: reviewed by expert panel (3 of 4 stars). 6 submissions from 6 submitters: Pathogenic (1). 5 of the submissions do not count toward it. Last evaluated 2023-08-29.

Conditions:
CDH1-related diffuse gastric and lobular breast cancer syndrome. Also called: CDH1-related diffuse gastric and lobular breast cancer. Identifiers: MedGen CN311521, MONDO:0100488.
Hereditary cancer-predisposing syndrome. Also called: Hereditary neoplastic syndrome; Neoplastic Syndromes, Hereditary; Tumor predisposition; Hereditary Cancer Syndrome. Identifiers: Orphanet 140162, MedGen C0027672, MeSH D009386, MONDO:0015356.
Hereditary diffuse gastric adenocarcinoma (HDGC). Also called: DIFFUSE GASTRIC AND LOBULAR BREAST CANCER SYNDROME. Identifiers: Orphanet 26106, MedGen C1708349, MONDO:0007648, OMIM 137215.

Submissions (6):

Clingen Gastric Cancer Variant Curation Expert Panel
Classification: Pathogenic for CDH1-related diffuse gastric and lobular breast cancer syndrome. Last evaluated: 2023-08-29. Review status: reviewed by expert panel. Criteria: ClinGen CDH1 ACMG Specifications V3.1. Collection method: curation. Allele origin: germline. Inheritance: Autosomal dominant inheritance.
Comment: The c.308G>A p.(Trp103*) variant is predicted to result in a premature stop codon that leads to a truncated or absent protein (PVS1, PM5_Supporting). The variant is absent in the gnomAD cohort (PM2_Supporting). This variant has been reported in at least one family meeting HDGC clinical criteria (PS4_Supporting; SCV000669020.2). Therefore, this variant meets criteria to be classified as pathogenic based on the ACMG/AMP criteria applied as specified by the CDH1 Variant Curation Expert Panel (Variant Interpretation Guidelines Version 3.1): PVS1, PM2_Supporting, PS4_Supporting, PM5_Supporting.

Myriad Genetics, Inc.
Classification: Pathogenic for Hereditary diffuse gastric adenocarcinoma. Last evaluated: 2024-05-29. Review status: criteria provided, single submitter. Criteria: Myriad Autosomal Dominant, Autosomal Recessive and X-Linked Classification Criteria (2023). Collection method: clinical testing. Allele origin: unknown. Not counted in ClinVar's aggregate classification.
Comment: This variant is considered pathogenic. This variant creates a termination codon and is predicted to result in premature protein truncation.

Ambry Genetics
Classification: Pathogenic for Hereditary cancer-predisposing syndrome. Last evaluated: 2024-03-21. Review status: criteria provided, single submitter. Criteria: Ambry Variant Classification Scheme 2023. Collection method: clinical testing. Allele origin: germline. Not counted in ClinVar's aggregate classification.
Comment: The p.W103* pathogenic mutation (also known as c.308G>A), located in coding exon 3 of the CDH1 gene, results from a G to A substitution at nucleotide position 308. This changes the amino acid from a tryptophan to a stop codon within coding exon 3. In addition to the clinical data presented in the literature, this alteration is expected to result in loss of function by premature protein truncation or nonsense-mediated mRNA decay. As such, this alteration is interpreted as a disease-causing mutation.

GeneDx
Classification: Pathogenic. Last evaluated: 2024-03-05. Review status: criteria provided, single submitter. Criteria: GeneDx Variant Classification Process June 2021. Collection method: clinical testing. Allele origin: germline. Affected: yes. Not counted in ClinVar's aggregate classification.
Comment: Nonsense variant predicted to result in protein truncation or nonsense mediated decay in a gene for which loss of function is a known mechanism of disease; Not observed at significant frequency in large population cohorts (gnomAD); This variant is associated with the following publications: (PMID: 36063148, 31514334, 36436516)

European Reference Network on Genetic Tumour Risk Syndromes (ERN-GENTURIS), i3s - Instituto de Investigação e Inovação em Saúde, University of Porto
Classification: Pathogenic for Hereditary diffuse gastric adenocarcinoma. Last evaluated: 2022-08-01. Review status: criteria provided, single submitter. Criteria: Lee et al. (Hum Mutat. 2018). Collection method: clinical testing. Allele origin: germline. Inheritance: Autosomal dominant inheritance. Affected: yes. Study: ERN GENTURIS. Not counted in ClinVar's aggregate classification.
Comment: PVS1; PS4_Supporting; PM2 (PMID: 30311375)

Labcorp Genetics (formerly Invitae), Labcorp
Classification: Pathogenic for Hereditary diffuse gastric adenocarcinoma. Last evaluated: 2018-12-12. Review status: criteria provided, single submitter. Criteria: Invitae Variant Classification Sherloc (09022015). Collection method: clinical testing. Allele origin: germline. Not counted in ClinVar's aggregate classification.
Comment: For these reasons, this variant has been classified as Pathogenic. Loss-of-function variants in CDH1 are known to be pathogenic (PMID: 15235021, 20373070). Algorithms developed to predict the effect of sequence changes on RNA splicing suggest that this variant may create or strengthen a splice site, but this prediction has not been confirmed by published transcriptional studies. This variant has not been reported in the literature in individuals with CDH1-related conditions. ClinVar contains an entry for this variant (Variation ID: 483227). This variant is not present in population databases (ExAC no frequency). This sequence change creates a premature translational stop signal (p.Trp103*) in the CDH1 gene. It is expected to result in an absent or disrupted protein product.

Literature cited by the submitters: PubMed 31514334 (cited by Ambry Genetics); PubMed 36436516 (cited by European Reference Network on Genetic Tumour Risk Syndromes (ERN-GENTURIS), i3s - Instituto de Investigação e Inovação em Saúde, University of Porto); PubMed 15235021 (cited by Labcorp Genetics (formerly Invitae), Labcorp); PubMed 20373070 (cited by Labcorp Genetics (formerly Invitae), Labcorp).

NM_004360.5(CDH1):c.308G>A (p.Trp103Ter)

Gene: CDH1 (cadherin 1; plus strand). Cytogenetic location: 16q22.1.
Variant type: single nucleotide variant.
Coding change: c.308G>A on transcript NM_004360.5 (MANE Select); coding-DNA position 308, G replaced by A.
Protein change: p.Trp103Ter; replaces tryptophan 103 with a stop codon.
Molecular consequence: nonsense. On other transcripts: 5 prime UTR variant (2).
Genome position (GRCh38, 1-based): chr16:68,801,814, G>A. VCF-style: chr16-68801814-G-A. GRCh37 (hg19) VCF-style: chr16-68835717-G-A.
Other names: c.308G>A (LRG_301t1, NM_004360.4); c.308G>A, p.Trp103Ter (NM_001317184.2); c.-1308G>A (NM_001317185.2); c.-1512G>A (NM_001317186.2); short protein forms W103*.
Identifiers: ClinVar variation 483227 (VCV000483227.17), dbSNP rs1555514464, ClinGen allele CA396457352.